The following is an entry in ClinVar:

ClinVar aggregate classification (germline): Uncertain significance (0 of 4 stars; one submission).

Conditions:
VWF-related disorder. Also called: VWF-related condition; VWF-related disorders.

Submission:

PreventionGenetics, part of Exact Sciences
Classification: Uncertain significance for VWF-related condition. Last evaluated: 2024-06-22. Review status: no assertion criteria provided. Collection method: clinical testing. Allele origin: germline.
Comment: The VWF c.6689A>G variant is predicted to result in the amino acid substitution p.His2230Arg. To our knowledge, this variant has not been reported in the literature or in a large population database, indicating this variant is rare. At this time, the clinical significance of this variant is uncertain due to the absence of conclusive functional and genetic evidence.

NM_000552.5(VWF):c.6689A>G (p.His2230Arg)

Gene: VWF (von Willebrand factor; minus strand). Cytogenetic location: 12p13.31.
Variant type: single nucleotide variant.
Coding change: c.6689A>G on transcript NM_000552.5 (MANE Select); coding-DNA position 6689, A replaced by G.
Protein change: p.His2230Arg; replaces histidine 2230 with arginine.
Molecular consequence: missense variant.
Genome position (GRCh38, 1-based): chr12:5,991,928, T>C on the plus strand (A>G on the coding strand, the complement: VWF is on the minus strand). VCF-style: chr12-5991928-T-C. GRCh37 (hg19) VCF-style: chr12-6101094-T-C.
Other names: short protein forms H2230R.
Identifiers: ClinVar variation 3347229 (VCV003347229.1).